The following is an entry in ClinVar:

NM_001106.4(ACVR2B):c.*420A>G

Gene: ACVR2B (activin A receptor type 2B; plus strand). Cytogenetic location: 3p22.2.
Variant type: single nucleotide variant.
Coding change: c.*420A>G on transcript NM_001106.4 (MANE Select); 420 bases downstream of the stop codon, A replaced by G.
Molecular consequence: 3 prime UTR variant.
Genome position (GRCh38, 1-based): chr3:38,483,752, A>G. VCF-style: chr3-38483752-A-G. GRCh37 (hg19) VCF-style: chr3-38525243-A-G.
Identifiers: ClinVar variation 344930 (VCV000344930.5), dbSNP rs556691662, ClinGen allele CA10616230.

ClinVar aggregate classification (germline): Benign (1 of 4 stars; one submission).

Conditions:
Heterotaxy, visceral, 4, autosomal (HTX4). Identifiers: Orphanet 450, MedGen C3151057, MONDO:0013403, OMIM 613751.

Allele frequency attached by ClinVar (database versions not stated): TOPMed 0.00015; gnomAD 0.00017 and 0.00020; 1000 Genomes Project 30x 0.00047; 1000 Genomes Project 0.00060.

Submission:

Illumina Laboratory Services, Illumina
Classification: Benign for Heterotaxy, visceral, 4, autosomal. Last evaluated: 2018-01-12. Review status: criteria provided, single submitter. Criteria: ICSL Variant Classification Criteria 13 December 2019. Collection method: clinical testing. Allele origin: germline.
Comment: This variant was observed in the ICSL laboratory as part of a predisposition screen in an ostensibly healthy population. It had not been previously curated by ICSL or reported in the Human Gene Mutation Database (HGMD: prior to June 1st, 2018), and was therefore a candidate for classification through an automated scoring system. Utilizing variant allele frequency, disease prevalence and penetrance estimates, and inheritance mode, an automated score was calculated to assess if this variant is too frequent to cause the disease. Based on the score and internal cut-off values, a variant classified as benign is not then subjected to further curation. The score for this variant resulted in a classification of benign for this disease.